The following is an entry in ClinVar:

ClinVar aggregate classification (germline): Uncertain significance. Review status: criteria provided, multiple submitters, no conflicts (2 of 4 stars). 4 submissions from 4 submitters: Uncertain significance (4). Last evaluated 2025-08-11.

Conditions:
Cardiovascular phenotype. Identifiers: MedGen CN230736.
Hypertrophic cardiomyopathy 14. Identifiers: MedGen C2750467, MONDO:0013197, OMIM 613251.

Allele frequency attached by ClinVar (database versions not stated): gnomAD exomes 0.00002; TOPMed 0.00008; ExAC 0.00003; gnomAD 0.00005 and 0.00006; ESP Exome Variant Server 0.00015.
gnomAD v4.1: 14 of 1,614,136 alleles (0.00087%); highest among the groups gnomAD compares: African/African-American, 0.017%; no homozygotes.

Submissions (4):

Labcorp Genetics (formerly Invitae), Labcorp
Classification: Uncertain significance for Hypertrophic cardiomyopathy 14. Last evaluated: 2025-08-11. Review status: criteria provided, single submitter. Criteria: Invitae Variant Classification Sherloc (09022015). Collection method: clinical testing. Allele origin: germline.
Comment: This sequence change replaces lysine, which is basic and polar, with arginine, which is basic and polar, at codon 867 of the MYH6 protein (p.Lys867Arg). This variant is present in population databases (rs143284278, gnomAD 0.02%). This variant has not been reported in the literature in individuals affected with MYH6-related conditions. ClinVar contains an entry for this variant (Variation ID: 1060330). Invitae Evidence Modeling of protein sequence and biophysical properties (such as structural, functional, and spatial information, amino acid conservation, physicochemical variation, residue mobility, and thermodynamic stability) indicates that this missense variant is not expected to disrupt MYH6 protein function with a negative predictive value of 80%. In summary, the available evidence is currently insufficient to determine the role of this variant in disease. Therefore, it has been classified as a Variant of Uncertain Significance.

Revvity Omics, Revvity
Classification: Uncertain significance. Last evaluated: 2023-11-07. Review status: criteria provided, single submitter. Criteria: ACMG Guidelines, 2015. Collection method: clinical testing. Allele origin: germline.

Ambry Genetics
Classification: Uncertain significance for Cardiovascular phenotype. Last evaluated: 2023-04-16. Review status: criteria provided, single submitter. Criteria: Ambry Variant Classification Scheme 2023. Collection method: clinical testing. Allele origin: germline.
Comment: The p.K867R variant (also known as c.2600A>G), located in coding exon 19 of the MYH6 gene, results from an A to G substitution at nucleotide position 2600. The lysine at codon 867 is replaced by arginine, an amino acid with highly similar properties. This amino acid position is highly conserved in available vertebrate species. In addition, the in silico prediction for this alteration is inconclusive. Since supporting evidence is limited at this time, the clinical significance of this alteration remains unclear.

Women's Health and Genetics/Laboratory Corporation of America, LabCorp
Classification: Uncertain significance. Last evaluated: 2023-04-11. Review status: criteria provided, single submitter. Criteria: LabCorp Variant Classification Summary - May 2015. Collection method: clinical testing. Allele origin: germline.
Comment: Variant summary: MYH6 c.2600A>G (p.Lys867Arg) results in a conservative amino acid change located in the Myosin tail domain (IPR002928) of the encoded protein sequence. Three of five in-silico tools predict a damaging effect of the variant on protein function. The variant allele was found at a frequency of 2e-05 in 251486 control chromosomes. The available data on variant occurrences in the general population are insufficient to allow any conclusion about variant significance. To our knowledge, no occurrence of c.2600A>G in individuals affected with MYH6-related Cardiomyopathy and no experimental evidence demonstrating its impact on protein function have been reported. Two clinical diagnostic laboratories have submitted clinical-significance assessments for this variant to ClinVar after 2014 without evidence for independent evaluation. All laboratories classified the variant as uncertain significance. Based on the evidence outlined above, the variant was classified as uncertain significance.

NM_002471.4(MYH6):c.2600A>G (p.Lys867Arg)

Gene: MYH6 (myosin heavy chain 6; minus strand). Cytogenetic location: 14q11.2.
Variant type: single nucleotide variant.
Coding change: c.2600A>G on transcript NM_002471.4 (MANE Select); coding-DNA position 2600, A replaced by G.
Protein change: p.Lys867Arg; replaces lysine 867 with arginine.
Molecular consequence: missense variant.
Genome position (GRCh38, 1-based): chr14:23,394,153, T>C on the plus strand (A>G on the coding strand, the complement: MYH6 is on the minus strand). VCF-style: chr14-23394153-T-C. GRCh37 (hg19) VCF-style: chr14-23863362-T-C.
Other names: short protein forms K867R.
Identifiers: ClinVar variation 1060330 (VCV001060330.11), dbSNP rs143284278, ClinGen allele CA7115427.